The following is an entry in ClinVar:

NM_001171613.2(PREPL):c.967A>G (p.Ile323Val)

Gene: PREPL (prolyl endopeptidase like; minus strand). Cytogenetic location: 2p21.
Variant type: single nucleotide variant.
Coding change: c.967A>G on transcript NM_001171613.2 (MANE Select); coding-DNA position 967, A replaced by G.
Protein change: p.Ile323Val; replaces isoleucine 323 with valine.
Molecular consequence: missense variant. On other transcripts: intron variant (1).
Genome position (GRCh38, 1-based): chr2:44,332,578, T>C on the plus strand (A>G on the coding strand, the complement: PREPL is on the minus strand). VCF-style: chr2-44332578-T-C. GRCh37 (hg19) VCF-style: chr2-44559717-T-C.
Other names: c.1048A>G, p.Ile350Val (NM_001042385.2); c.1234A>G, p.Ile412Val (NM_001171603.1, NM_001171606.2, NM_001374275.1 and 2 more transcripts); c.967A>G, p.Ile323Val (NM_001171617.1, NM_001374277.1); c.1156-3466A>G (NM_001042386.2); short protein forms I323V, I350V, I412V.
Identifiers: ClinVar variation 1050141 (VCV001050141.12), dbSNP rs143785426, ClinGen allele CA1641285.

ClinVar aggregate classification (germline): Conflicting classifications of pathogenicity. Review status: criteria provided, conflicting classifications (1 of 4 stars). 4 submissions from 4 submitters: Uncertain significance (1); Likely benign (2). 1 of the submissions does not count toward it. Last evaluated 2026-01-06.

Conditions:
PREPL-related disorder. Also called: PREPL-related condition.
Myasthenic syndrome, congenital, 22 (CMS22). Also called: PREPL DEFICIENCY. Identifiers: MedGen C4479088, MONDO:0044299, OMIM 616224.

Allele frequency attached by ClinVar (database versions not stated): gnomAD exomes 0.00019 and 0.00009; gnomAD 0.00051; TOPMed 0.00065; ESP Exome Variant Server 0.00077; 1000 Genomes Project 30x 0.00078; ExAC 0.00016; 1000 Genomes Project 0.00080.
gnomAD v4.1: 212 of 1,613,958 alleles (0.013%); highest among the groups gnomAD compares: African/African-American, 0.22%; 3 homozygotes.

Submissions (4):

Labcorp Genetics (formerly Invitae), Labcorp
Classification: Likely benign for Myasthenic syndrome, congenital, 22. Last evaluated: 2026-01-06. Review status: criteria provided, single submitter. Criteria: Invitae Variant Classification Sherloc (09022015). Collection method: clinical testing. Allele origin: germline.

PreventionGenetics, part of Exact Sciences
Classification: Likely benign for PREPL-related condition. Last evaluated: 2025-03-12. Review status: criteria provided, single submitter. Criteria: ACMG Guidelines, 2015. Collection method: clinical testing. Allele origin: germline.
Comment: This variant is classified as likely benign based on ACMG/AMP sequence variant interpretation guidelines (Richards et al. 2015 PMID: 25741868, with internal and published modifications).

GeneDx
Classification: Uncertain significance. Last evaluated: 2020-01-23. Review status: criteria provided, single submitter. Criteria: GeneDx Variant Classification Process June 2021. Collection method: clinical testing. Allele origin: germline. Affected: yes.
Comment: In silico analysis, which includes protein predictors and evolutionary conservation, supports that this variant does not alter protein structure/function; In silico analysis, which includes splice predictors and evolutionary conservation, suggests this variant may impact gene splicing. In the absence of RNA/functional studies, the actual effect of this sequence change is unknown.; Has not been previously published as pathogenic or benign to our knowledge

Department of Pathology and Laboratory Medicine, Sinai Health System
Classification: Uncertain significance. Review status: no assertion criteria provided. Collection method: clinical testing. Allele origin: unknown. Affected: yes. Study: The Canadian Open Genetics Repository (COGR). Not counted in ClinVar's aggregate classification.
Comment: The PREPL p.I323V variant was not identified in the literature nor was it identified in ClinVar. The variant was identified in dbSNP (ID: rs143785426) and in control databases in 66 of 282772 chromosomes at a frequency of 0.0002334, and was observed at the highest frequency in the African population in 55 of 24968 chromosomes (freq: 0.002203) (Genome Aggregation Database March 6, 2019, v2.1.1). The p.I323 residue is not conserved in mammals and computational analyses (MUT Assesor, PolyPhen-2, SIFT, MutationTaster, Revel, FATHMM, MetaLR, DANN) do not suggest a high likelihood of impact to the protein; this information is not predictive enough to rule out pathogenicity. The variant occurs outside of the splicing consensus sequence and in silico or computational prediction software programs (Splice AI exome, Splice AI genome) predict a deleterious effect on splicing. However, this information is not predictive enough to assume pathogenicity. In summary, based on the above information the clinical significance of this variant cannot be determined with certainty at this time. This variant is classified as a variant of uncertain significance.